The following is an entry in ClinVar:

ClinVar aggregate classification (germline): Uncertain significance (1 of 4 stars; one submission).

Submission:

Women's Health and Genetics/Laboratory Corporation of America, LabCorp
Classification: Uncertain significance. Last evaluated: 2025-03-18. Review status: criteria provided, single submitter. Criteria: LabCorp Variant Classification Summary - May 2015. Collection method: clinical testing. Allele origin: germline.
Comment: Variant summary: TNXB c.2084G>C (p.Arg695Pro) results in a non-conservative amino acid change in the encoded protein sequence. Two of four in-silico tools predict a benign effect of the variant on protein function. The variant was absent in 247390 control chromosomes (gnomAD). The available data on variant occurrences in the general population are insufficient to allow any conclusion about variant significance. To our knowledge, no occurrence of c.2084G>C in individuals affected with Ehlers-Danlos syndrome due to tenascin-X deficiency and no experimental evidence demonstrating its impact on protein function have been reported. No submitters have cited clinical-significance assessments for this variant to ClinVar. Based on the evidence outlined above, the variant was classified as uncertain significance.

NM_001365276.2(TNXB):c.2084G>C (p.Arg695Pro)

Gene: TNXB (tenascin XB; minus strand). Cytogenetic location: 6p21.33.
Variant type: single nucleotide variant.
Coding change: c.2084G>C on transcript NM_001365276.2 (MANE Select); coding-DNA position 2084, G replaced by C.
Protein change: p.Arg695Pro; replaces arginine 695 with proline.
Molecular consequence: missense variant.
Genome position (GRCh38, 1-based): chr6:32,095,769, C>G on the plus strand (G>C on the coding strand, the complement: TNXB is on the minus strand). VCF-style: chr6-32095769-C-G. GRCh37 (hg19) VCF-style: chr6-32063546-C-G.
Other names: c.2084G>C, p.Arg695Pro (NM_001428335.1, NM_019105.8); short protein forms R695P.
Identifiers: ClinVar variation 3895558 (VCV003895558.1).
Genomic context (GRCh38, chr6:32,095,769, plus strand): 5'-GCACAGTCAGGGCCTCGGAAGCCCTCTACACACACACACTGGCCTGCCCGGCACAGTTCC[C>G]GGGGCCCGCAGCCTCCAGGGCAGGCGCTGGCTGGAGGCTCTTCCTGCCCGCAGTCCTCAC-3'
Protein context (NP_001352205.1, residues 685-705): ASACPGGCGP[Arg695Pro]ELCRAGQCVC